The following is an entry in ClinVar:

NM_000135.4(FANCA):c.1973G>C (p.Gly658Ala)

Gene: FANCA (FA complementation group A; minus strand). Cytogenetic location: 16q24.3.
Variant type: single nucleotide variant.
Coding change: c.1973G>C on transcript NM_000135.4 (MANE Select); coding-DNA position 1973, G replaced by C.
Protein change: p.Gly658Ala; replaces glycine 658 with alanine.
Molecular consequence: missense variant.
Genome position (GRCh38, 1-based): chr16:89,773,312, C>G on the plus strand (G>C on the coding strand, the complement: FANCA is on the minus strand). VCF-style: chr16-89773312-C-G. GRCh37 (hg19) VCF-style: chr16-89839720-C-G.
Other names: c.1973G>C, p.Gly658Ala (NM_001286167.3); short protein forms G658A.
Identifiers: ClinVar variation 4022207 (VCV004022207.1).
Genomic context (GRCh38, chr16:89,773,312, plus strand): 5'-AGCTCCCATCCATCCTCACCATCACGCTGGCTGGGGTCTGTCATGGAGGCTCTCAGCTCT[C>G]CCAGTGCAGCTGTGAGCTGTCCCAGGGGCTCCTCAGCAGAGTTGGGTTCTGCCCTCACTC-3'
Protein context (NP_000126.2, residues 648-668): EPLGQLTAAL[Gly658Ala]ELRASMTDPS

ClinVar aggregate classification (germline): Uncertain significance (1 of 4 stars; one submission).

Conditions:
Inborn genetic diseases. Identifiers: MedGen C0950123, MeSH D030342.

gnomAD v4.1: 2 of 1,551,562 alleles (0.00013%); highest among the groups gnomAD compares: Non-Finnish European, 0.00017%; no homozygotes.

Submission:

Ambry Genetics
Classification: Uncertain significance for Inborn genetic diseases. Last evaluated: 2025-04-18. Review status: criteria provided, single submitter. Criteria: Ambry Variant Classification Scheme 2023. Collection method: clinical testing. Allele origin: germline.
Comment: The p.G658A variant (also known as c.1973G>C), located in coding exon 22 of the FANCA gene, results from a G to C substitution at nucleotide position 1973. The glycine at codon 658 is replaced by alanine, an amino acid with similar properties. This amino acid position is conserved. In addition, this alteration is predicted to be tolerated by in silico analysis. Based on the available evidence, the clinical significance of this variant remains unclear.